The following is an entry in ClinVar:

NM_002335.4(LRP5):c.4703C>T (p.Ser1568Leu)

Gene: LRP5 (LDL receptor related protein 5; plus strand). Cytogenetic location: 11q13.2.
Variant type: single nucleotide variant.
Coding change: c.4703C>T on transcript NM_002335.4 (MANE Select); coding-DNA position 4703, C replaced by T.
Protein change: p.Ser1568Leu; replaces serine 1568 with leucine.
Molecular consequence: missense variant.
Genome position (GRCh38, 1-based): chr11:68,448,925, C>T. VCF-style: chr11-68448925-C-T. GRCh37 (hg19) VCF-style: chr11-68216393-C-T.
Other names: c.2960C>T, p.Ser987Leu (NM_001291902.2); short protein forms S987L, S1568L.
Identifiers: ClinVar variation 3700310 (VCV003700310.2).
Genomic context (GRCh38, chr11:68,448,925, plus strand): 5'-GTGACAGCGACTACAGCGCCAGCCGCTGGAAGGCCAGCAAGTACTACCTGGATTTGAACT[C>T]GGACTCAGACCCCTATCCACCCCCACCCACGCCCCACAGCCAGTACCTGTCGGCGGAGGA-3'
Protein context (NP_002326.2, residues 1558-1578): KASKYYLDLN[Ser1568Leu]DSDPYPPPPT

ClinVar aggregate classification (germline): Uncertain significance (1 of 4 stars; one submission).

gnomAD v4.1: 7 of 1,613,594 alleles (0.00043%); highest among the groups gnomAD compares: East Asian, 0.0022%; no homozygotes.

Submission:

Labcorp Genetics (formerly Invitae), Labcorp
Classification: Uncertain significance. Last evaluated: 2024-05-23. Review status: criteria provided, single submitter. Criteria: Invitae Variant Classification Sherloc (09022015). Collection method: clinical testing. Allele origin: germline.
Comment: This sequence change replaces serine, which is neutral and polar, with leucine, which is neutral and non-polar, at codon 1568 of the LRP5 protein (p.Ser1568Leu). This variant is not present in population databases (gnomAD no frequency). This variant has not been reported in the literature in individuals affected with LRP5-related conditions. Advanced modeling of protein sequence and biophysical properties (such as structural, functional, and spatial information, amino acid conservation, physicochemical variation, residue mobility, and thermodynamic stability) performed at Invitae indicates that this missense variant is not expected to disrupt LRP5 protein function with a negative predictive value of 95%. In summary, the available evidence is currently insufficient to determine the role of this variant in disease. Therefore, it has been classified as a Variant of Uncertain Significance.